The following is an entry in ClinVar:

ClinVar aggregate classification (germline): Uncertain significance. Review status: criteria provided, multiple submitters, no conflicts (2 of 4 stars). 2 submissions from 2 submitters: Uncertain significance (2). Last evaluated 2025-09-16.

Conditions:
Neuronal ceroid lipofuscinosis 11. Also called: GRN-Related Neuronal Ceroid-Lipofuscinosis. Identifiers: Orphanet 314629, Orphanet 79262, MedGen C3539123, MONDO:0013866, OMIM 614706.
GRN-related frontotemporal lobar degeneration with Tdp43 inclusions (FTD2). Also called: GRN Frontotemporal Dementia; FRONTOTEMPORAL DEMENTIA WITH TDP43 INCLUSIONS, GRN-RELATED; DEMENTIA, HEREDITARY DYSPHASIC DISINHIBITION; FRONTOTEMPORAL LOBAR DEGENERATION WITH UBIQUITIN-POSITIVE INCLUSIONS; FTLD-TDP, GRN-RELATED. Identifiers: Orphanet 100070, Orphanet 282, MedGen C1843792, MONDO:0011842, OMIM 607485. Disease mechanism: loss of function.

gnomAD v4.1: 28 of 1,612,972 alleles (0.0017%); highest among the groups gnomAD compares: African/African-American, 0.0053%; no homozygotes.

Submissions (2):

Labcorp Genetics (formerly Invitae), Labcorp
Classification: Uncertain significance for Neuronal ceroid lipofuscinosis 11; GRN-related frontotemporal lobar degeneration with Tdp43 inclusions. Last evaluated: 2025-09-16. Review status: criteria provided, single submitter. Criteria: Invitae Variant Classification Sherloc (09022015). Collection method: clinical testing. Allele origin: germline.
Comment: This sequence change replaces arginine, which is basic and polar, with tryptophan, which is neutral and slightly polar, at codon 101 of the GRN protein (p.Arg101Trp). This variant is present in population databases (rs543578531, gnomAD 0.007%). This variant has not been reported in the literature in individuals affected with GRN-related conditions. ClinVar contains an entry for this variant (Variation ID: 1511718). An algorithm developed to predict the effect of missense changes on protein structure and function (PolyPhen-2) suggests that this variant is likely to be tolerated. In summary, the available evidence is currently insufficient to determine the role of this variant in disease. Therefore, it has been classified as a Variant of Uncertain Significance.

Fulgent Genetics
Classification: Uncertain significance for GRN-related frontotemporal lobar degeneration with Tdp43 inclusions; Neuronal ceroid lipofuscinosis 11. Last evaluated: 2021-07-16. Review status: criteria provided, single submitter. Criteria: ACMG Guidelines, 2015. Collection method: clinical testing. Allele origin: unknown.

NM_002087.4(GRN):c.301C>T (p.Arg101Trp)

Gene: GRN (granulin precursor; plus strand). Cytogenetic location: 17q21.31.
Variant type: single nucleotide variant.
Coding change: c.301C>T on transcript NM_002087.4 (MANE Select); coding-DNA position 301, C replaced by T.
Protein change: p.Arg101Trp; replaces arginine 101 with tryptophan.
Molecular consequence: missense variant.
Genome position (GRCh38, 1-based): chr17:44,349,703, C>T. VCF-style: chr17-44349703-C-T. GRCh37 (hg19) VCF-style: chr17-42427071-C-T.
Other names: short protein forms R101W.
Identifiers: ClinVar variation 1511718 (VCV001511718.9), dbSNP rs543578531, ClinGen allele CA290922660.
Genomic context (GRCh38, chr17:44,349,703, plus strand): 5'-TGCAGGTTTCTCTGTGTTCCACAGGCCGTGGCATGCGGGGATGGCCATCACTGCTGCCCA[C>T]GGGGCTTCCACTGCAGTGCAGACGGGCGATCCTGCTTCCAAAGATCAGGTGCAGCTGGGG-3'
Protein context (NP_002078.1, residues 91-111): ACGDGHHCCP[Arg101Trp]GFHCSADGRS